The following is an entry in ClinVar:

ClinVar aggregate classification (germline): Uncertain significance (1 of 4 stars; one submission).

Conditions:
Joubert syndrome. Also called: Familial aplasia of the vermis; CEREBELLOPARENCHYMAL DISORDER IV; JOUBERT-BOLTSHAUSER SYNDROME. Identifiers: Orphanet 475, MedGen C5979921, MONDO:0018772.
Meckel-Gruber syndrome. Also called: Dysencephalia splachnocystica; DYSENCEPHALIA SPLANCHNOCYSTICA; GRUBER SYNDROME. Identifiers: Orphanet 564, MedGen C0265215, MONDO:0018921.
Nephronophthisis. Also called: Juvenile Nephronophthisis. Identifiers: Orphanet 655, MedGen C0687120, MONDO:0019005, HP:0000090.

Submission:

Labcorp Genetics (formerly Invitae), Labcorp
Classification: Uncertain significance for Joubert syndrome; Meckel-Gruber syndrome; Nephronophthisis. Last evaluated: 2025-03-31. Review status: criteria provided, single submitter. Criteria: Invitae Variant Classification Sherloc (09022015). Collection method: clinical testing. Allele origin: germline.
Comment: This sequence change replaces phenylalanine, which is neutral and non-polar, with serine, which is neutral and polar, at codon 1937 of the CEP290 protein (p.Phe1937Ser). This variant is not present in population databases (gnomAD no frequency). This variant has not been reported in the literature in individuals affected with CEP290-related conditions. ClinVar contains an entry for this variant (Variation ID: 1020361). Invitae Evidence Modeling of protein sequence and biophysical properties (such as structural, functional, and spatial information, amino acid conservation, physicochemical variation, residue mobility, and thermodynamic stability) indicates that this missense variant is not expected to disrupt CEP290 protein function with a negative predictive value of 80%. In summary, the available evidence is currently insufficient to determine the role of this variant in disease. Therefore, it has been classified as a Variant of Uncertain Significance.

NM_025114.4(CEP290):c.5810T>C (p.Phe1937Ser)

Gene: CEP290 (centrosomal protein 290; minus strand). Cytogenetic location: 12q21.32.
Variant type: single nucleotide variant.
Coding change: c.5810T>C on transcript NM_025114.4 (MANE Select); coding-DNA position 5810, T replaced by C.
Protein change: p.Phe1937Ser; replaces phenylalanine 1937 with serine.
Molecular consequence: missense variant.
Genome position (GRCh38, 1-based): chr12:88,071,826, A>G on the plus strand (T>C on the coding strand, the complement: CEP290 is on the minus strand). VCF-style: chr12-88071826-A-G. GRCh37 (hg19) VCF-style: chr12-88465603-A-G.
Other names: short protein forms F1937S.
Identifiers: ClinVar variation 1020361 (VCV001020361.7), dbSNP rs2035398253, ClinGen allele CA385984655.
Genomic context (GRCh38, chr12:88,071,826, plus strand): 5'-GATATTTAAACTCACTTGGCAAAAAGATCCTTCAAAGTATTCAACTGCTTTGTTAAAGTA[A>G]AGACTTCCCCCTCTTTCTCTTTTAACTTGTTTCGAATTCCTTCTATTTTGGCTTGCCACT-3'
Protein context (NP_079390.3, residues 1927-1947): NKLKEKEGEV[Phe1937Ser]TLTKQLNTLK